The following is an entry in ClinVar:

NM_020964.3(EPG5):c.33C>G (p.Ala11=)

Gene: EPG5 (ectopic P-granules 5 autophagy tethering factor; minus strand). Cytogenetic location: 18q21.1.
Variant type: single nucleotide variant.
Coding change: c.33C>G on transcript NM_020964.3 (MANE Select); coding-DNA position 33, C replaced by G.
Protein change: p.Ala11=; no amino-acid change (alanine 11 retained).
Molecular consequence: synonymous variant.
Genome position (GRCh38, 1-based): chr18:45,967,207, G>C on the plus strand (C>G on the coding strand, the complement: EPG5 is on the minus strand). VCF-style: chr18-45967207-G-C. GRCh37 (hg19) VCF-style: chr18-43547173-G-C.
Identifiers: ClinVar variation 749275 (VCV000749275.13), dbSNP rs539082493, ClinGen allele CA8950036.

ClinVar aggregate classification (germline): Benign. Review status: criteria provided, single submitter (1 of 4 stars). 2 submissions from 2 submitters: Benign (1). 1 of the submissions does not count toward it. Last evaluated 2026-01-05.

Conditions:
Vici syndrome (VICIS). Identifiers: Orphanet 1493, MedGen C1855772, MONDO:0009452, OMIM 242840.
EPG5-related disorder. Also called: EPG5-related condition. Identifiers: MedGen CN381528.

Allele frequency attached by ClinVar (database versions not stated): gnomAD below 0.00001 and 0.00019; TOPMed 0.00005; 1000 Genomes Project 30x 0.00125; ExAC 0.00220; gnomAD exomes 0.00128; 1000 Genomes Project 0.00160.
gnomAD v4.1: 845 of 1,606,038 alleles (0.053%); highest among the groups gnomAD compares: South Asian, 0.9%; 11 homozygotes.

Submissions (2):

Labcorp Genetics (formerly Invitae), Labcorp
Classification: Benign for Vici syndrome. Last evaluated: 2026-01-05. Review status: criteria provided, single submitter. Criteria: Invitae Variant Classification Sherloc (09022015). Collection method: clinical testing. Allele origin: germline.

PreventionGenetics, part of Exact Sciences
Classification: Benign for EPG5-related condition. Last evaluated: 2024-03-20. Review status: no assertion criteria provided. Collection method: clinical testing. Allele origin: germline. Not counted in ClinVar's aggregate classification.
Comment: This variant is classified as benign based on ACMG/AMP sequence variant interpretation guidelines (Richards et al. 2015 PMID: 25741868, with internal and published modifications).